The following is an entry in ClinVar:

ClinVar aggregate classification (germline): Uncertain significance (1 of 4 stars; one submission).

Conditions:
Inborn genetic diseases. Identifiers: MedGen C0950123, MeSH D030342.

Submission:

Ambry Genetics
Classification: Uncertain significance for Inborn genetic diseases. Last evaluated: 2025-12-26. Review status: criteria provided, single submitter. Criteria: Ambry Variant Classification Scheme 2023. Collection method: clinical testing. Allele origin: germline.
Comment: The p.R492S variant (also known as c.1476A>T), located in coding exon 14 of the ANKRD26 gene, results from an A to T substitution at nucleotide position 1476. The arginine at codon 492 is replaced by serine, an amino acid with dissimilar properties. This amino acid position is conserved. In addition, this alteration is predicted to be tolerated by in silico analysis. Based on the available evidence, the clinical significance of this variant remains unclear.

NM_014915.3(ANKRD26):c.1476A>T (p.Arg492Ser)

Gene: ANKRD26 (ankyrin repeat domain 26; minus strand). Cytogenetic location: 10p12.1.
Variant type: single nucleotide variant.
Coding change: c.1476A>T on transcript NM_014915.3 (MANE Select); coding-DNA position 1476, A replaced by T.
Protein change: p.Arg492Ser; replaces arginine 492 with serine.
Molecular consequence: missense variant.
Genome position (GRCh38, 1-based): chr10:27,060,527, T>A on the plus strand (A>T on the coding strand, the complement: ANKRD26 is on the minus strand). VCF-style: chr10-27060527-T-A. GRCh37 (hg19) VCF-style: chr10-27349456-T-A.
Other names: c.1476A>T, p.Arg492Ser (NM_001256053.2); short protein forms R492S.
Identifiers: ClinVar variation 4842346 (VCV004842346.1).